The following is an entry in ClinVar:

NM_004855.5(PIGB):c.1361T>C (p.Met454Thr)

Gene: PIGB (phosphatidylinositol glycan anchor biosynthesis class B; plus strand). Cytogenetic location: 15q21.3.
Variant type: single nucleotide variant.
Coding change: c.1361T>C on transcript NM_004855.5 (MANE Select); coding-DNA position 1361, T replaced by C.
Protein change: p.Met454Thr; replaces methionine 454 with threonine.
Molecular consequence: missense variant.
Genome position (GRCh38, 1-based): chr15:55,354,821, T>C. VCF-style: chr15-55354821-T-C. GRCh37 (hg19) VCF-style: chr15-55647019-T-C.
Other names: short protein forms M454T.
Identifiers: ClinVar variation 2056750 (VCV002056750.1), dbSNP rs1484075209, ClinGen allele CA392543926.
Genomic context (GRCh38, chr15:55,354,821, plus strand): 5'-TTACTTGTATTTATTATGGTAACTTTTCTTTTCATAGCCATGTTCACTGCCCACTTCCCA[T>C]GAGATTTCTCCAGTGCCCGCCAGACCTGACTGGAAAAAGTCATTATCTTGATGAAGCAGA-3'
Protein context (NP_004846.4, residues 444-464): YYSHVHCPLP[Met454Thr]RFLQCPPDLT

ClinVar aggregate classification (germline): Uncertain significance (1 of 4 stars; one submission).

gnomAD v4.1: 2 of 1,610,920 alleles (0.00012%); highest among the groups gnomAD compares: Admixed American, 0.0034%; no homozygotes.

Submission:

Labcorp Genetics (formerly Invitae), Labcorp
Classification: Uncertain significance. Last evaluated: 2022-06-15. Review status: criteria provided, single submitter. Criteria: Invitae Variant Classification Sherloc (09022015). Collection method: clinical testing. Allele origin: germline.
Comment: This sequence change replaces methionine, which is neutral and non-polar, with threonine, which is neutral and polar, at codon 454 of the PIGB protein (p.Met454Thr). This variant is present in population databases (no rsID available, gnomAD 0.006%). This variant has not been reported in the literature in individuals affected with PIGB-related conditions. Algorithms developed to predict the effect of missense changes on protein structure and function (SIFT, PolyPhen-2, Align-GVGD) all suggest that this variant is likely to be disruptive. In summary, the available evidence is currently insufficient to determine the role of this variant in disease. Therefore, it has been classified as a Variant of Uncertain Significance.